The following is an entry in ClinVar:

ClinVar aggregate classification (germline): Likely pathogenic (1 of 4 stars; one submission).

Conditions:
Glycine encephalopathy. Also called: Nonketotic hyperglycinemia; Non-ketotic hyperglycinemia. Identifiers: Orphanet 407, MedGen C0751748, MONDO:0011612, HP:0008288.

Submission:

Natera, Inc.
Classification: Likely pathogenic for Non-ketotic hyperglycinemia. Last evaluated: 2024-06-28. Review status: criteria provided, single submitter. Criteria: Natera Variant Classification Schema (03/2026). Collection method: clinical testing. Allele origin: germline.
Comment: The c.1834del variant in GLDC is a frameshift variant predicted to shift the reading frame beginning at codon 612 and leads to a stop codon 22 codons downstream. This variant is expected to result in nonsense mediated decay, truncation, or a dysfunctional protein product. This variant is rare in the general population with a frequency below the threshold expected for the associated phenotype(s). Given the available evidence, this variant is classified as Likely Pathogenic.

NM_000170.3(GLDC):c.1834del (p.Cys612fs)

Gene: GLDC (glycine decarboxylase; minus strand). Cytogenetic location: 9p24.1.
Variant type: Deletion.
Coding change: c.1834del on transcript NM_000170.3 (MANE Select); coding-DNA position 1834, one base deleted (T; older notation c.1834delT).
Protein change: p.Cys612fs; shifts the reading frame from cysteine 612.
Molecular consequence: frameshift variant.
Genome position (GRCh38, 1-based): chr9:6,587,157, A deleted on the plus strand (T on the coding strand, the reverse complement: GLDC is on the minus strand). VCF-style (leftmost placement, unchanged base first): chr9-6587156-CA-C. GRCh37 (hg19) VCF-style: chr9-6587156-CA-C.
Other names: c.1834delT, p.Cys612Valfs (NM_000170.2); short protein forms C612fs.
Identifiers: ClinVar variation 4817855 (VCV004817855.1).